The following is an entry in ClinVar:

NM_023067.4(FOXL2):c.251T>G (p.Ile84Ser)

Gene: FOXL2 (forkhead box L2; minus strand). Cytogenetic location: 3q22.3.
Variant type: single nucleotide variant.
Coding change: c.251T>G on transcript NM_023067.4 (MANE Select); coding-DNA position 251, T replaced by G.
Protein change: p.Ile84Ser; replaces isoleucine 84 with serine.
Molecular consequence: missense variant.
Genome position (GRCh38, 1-based): chr3:138,946,472, A>C on the plus strand (T>G on the coding strand, the complement: FOXL2 is on the minus strand). VCF-style: chr3-138946472-A-C. GRCh37 (hg19) VCF-style: chr3-138665314-A-C.
Other names: c.251T>G (NM_023067.3); short protein forms I84S.
Identifiers: ClinVar variation 4863 (VCV000004863.3), dbSNP rs28937884, ClinGen allele CA210687.
Genomic context (GRCh38, chr3:138,946,472, plus strand): 5'-TGGCGGATGCTATTTTGCCAGCCCTTCTTATTCTTCTCGTAGAACGGGAACTTCGCGATG[A>C]TGTACTGGTAGATGCCGGACAGCGTGAGCCTCTTCTCCGCGCTCTCGCGGATCGCCATGG-3'
Protein context (NP_075555.1, residues 74-94): RLTLSGIYQY[Ile84Ser]IAKFPFYEKN

ClinVar aggregate classification (germline): Pathogenic. Review status: no assertion criteria provided (0 of 4 stars). 2 submissions from 2 submitters: Pathogenic (2). Last evaluated 2023-11-15.

Conditions:
FOXL2-related disorder. Also called: FOXL2-related condition.
BLEPHAROPHIMOSIS, PTOSIS, AND EPICANTHUS INVERSUS, TYPE I. Also called: BPES I; Blepharophimosis syndrome type 1; BPES with ovarian failure; Blepharophimosis, ptosis, and epicanthus inversus syndrome type 1. Identifiers: MedGen C2931135.

Submissions (2):

PreventionGenetics, part of Exact Sciences
Classification: Pathogenic for FOXL2-related condition. Last evaluated: 2023-11-15. Review status: no assertion criteria provided. Collection method: clinical testing. Allele origin: germline.
Comment: The FOXL2 c.251T>G variant is predicted to result in the amino acid substitution p.Ile84Ser. This variant has been reported as segregating with disease in a six generation kindred with blepharophimosis ptosis epicanthus inversus syndrome type I (Dollfus et al. 2003. PubMed ID: 12630957). Functional studies have shown that the p.Ile84Ser substitution within the FOXL2 protein causes aggregation and decreases the transcription activity, leading to a decrease in the cellular functions of apoptosis and antiproliferation (Dipietromaria et al. 2009. PubMed ID: 19515849; Kim et al. 2013. PubMed ID: 24240106). This variant has not been reported in a large population database, indicating this variant is rare. An alternate substitution of this amino acid (p.Ile84Asn) has also been reported in individuals with BPES (Beysen et al. 2008. PubMed ID: 18642388 ). Given the evidence, we interpret c.251T>G (p.Ile84Ser) as pathogenic.

OMIM
Classification: Pathogenic for BLEPHAROPHIMOSIS, PTOSIS, AND EPICANTHUS INVERSUS, TYPE I. Last evaluated: 2003-02-01. Review status: no assertion criteria provided. Collection method: literature only. Allele origin: germline.

Literature cited by the submitters: PubMed 12630957 (cited by OMIM).